The following is an entry in ClinVar:

ClinVar aggregate classification (germline): Likely pathogenic (1 of 4 stars; one submission).

Conditions:
Ornithine aminotransferase deficiency (GACR). Also called: OAT DEFICIENCY; OKT DEFICIENCY; HYPERORNITHINEMIA WITH GYRATE ATROPHY OF CHOROID AND RETINA; Ornithine ketoacid aminotransferase deficiency; Gyrate atrophy; Gyrate atrophy of choroid and retina. Identifiers: Orphanet 414, MedGen C0018425, MONDO:0009796, OMIM 258870.

Submission:

Labcorp Genetics (formerly Invitae), Labcorp
Classification: Likely pathogenic for Ornithine aminotransferase deficiency. Last evaluated: 2022-04-17. Review status: criteria provided, single submitter. Criteria: Invitae Variant Classification Sherloc (09022015). Collection method: clinical testing. Allele origin: germline.
Comment: This variant results in a copy number gain of the genomic region encompassing exon(s) 8-9 of the OAT gene. While the exact position of this variant cannot be determined from the data, sub-genic copy number gains are generally in tandem (PMID: 25640679). This variant is predicted to be out-of-frame, and may result in an absent or disrupted protein product. Loss-of-function variants in OAT are known to be pathogenic (PMID: 1737786, 23076989). This variant has not been reported in the literature in individuals affected with OAT-related conditions. In summary, the currently available evidence indicates that the variant is pathogenic, but additional data are needed to prove that conclusively. Therefore, this variant has been classified as Likely Pathogenic.

Literature cited by the submitters: PubMed 25640679; PubMed 1737786; PubMed 23076989.

NC_000010.10:g.(?_126089389)_(126090428_?)dup

Gene: OAT (ornithine aminotransferase; minus strand). Cytogenetic location: 10q26.13.
Variant type: Duplication.
Identifiers: ClinVar variation 2422770 (VCV002422770.4).